The following is an entry in ClinVar:

NM_178170.3(NEK8):c.1170T>C (p.Gly390=)

Gene: NEK8 (NIMA related kinase 8; plus strand). Cytogenetic location: 17q11.2.
Variant type: single nucleotide variant.
Coding change: c.1170T>C on transcript NM_178170.3 (MANE Select); coding-DNA position 1170, T replaced by C.
Protein change: p.Gly390=; no amino-acid change (glycine 390 retained).
Molecular consequence: synonymous variant.
Genome position (GRCh38, 1-based): chr17:28,738,193, T>C. VCF-style: chr17-28738193-T-C. GRCh37 (hg19) VCF-style: chr17-27065211-T-C.
Other names: p.Gly390=.
Identifiers: ClinVar variation 262928 (VCV000262928.23), dbSNP rs3809797, ClinGen allele CA8467328.

ClinVar aggregate classification (germline): Benign. Review status: criteria provided, multiple submitters, no conflicts (2 of 4 stars). 8 submissions from 8 submitters: Benign (8). Last evaluated 2026-02-02.

Conditions:
Renal-hepatic-pancreatic dysplasia 2 (RHPD2). Identifiers: MedGen C3809434, MONDO:0014174, OMIM 615415.
Nephronophthisis 9 (NPHP9). Identifiers: Orphanet 655, MedGen C3151188, MONDO:0013444, OMIM 613824.

Allele frequency attached by ClinVar (database versions not stated): gnomAD exomes 0.10595 and 0.12766; ExAC 0.13436; gnomAD 0.16504 and 0.16512; ESP Exome Variant Server 0.17084; TOPMed 0.17094; 1000 Genomes Project 0.21146; 1000 Genomes Project 30x 0.21346.
gnomAD v4.1: 180,773 of 1,613,942 alleles (11%); highest among the groups gnomAD compares: African/African-American, 33%; 13,316 homozygotes.

Submissions (8):

Labcorp Genetics (formerly Invitae), Labcorp
Classification: Benign for Nephronophthisis 9. Last evaluated: 2026-02-02. Review status: criteria provided, single submitter. Criteria: Invitae Variant Classification Sherloc (09022015). Collection method: clinical testing. Allele origin: germline.

Blueprint Genetics
Classification: Benign. Last evaluated: 2024-11-28. Review status: criteria provided, single submitter. Criteria: ACMG Guidelines, 2015. Collection method: clinical testing. Allele origin: germline.

Mayo Clinic Laboratories, Mayo Clinic
Classification: Benign. Last evaluated: 2022-03-09. Review status: criteria provided, single submitter. Criteria: ACMG Guidelines, 2015. Collection method: clinical testing. Allele origin: germline. Observed: 53 variant alleles.

Genome-Nilou Lab
Classification: Benign for Renal-hepatic-pancreatic dysplasia 2. Last evaluated: 2021-09-05. Review status: criteria provided, single submitter. Criteria: ACMG Guidelines, 2015. Collection method: clinical testing. Allele origin: germline. Affected: no.

GeneDx
Classification: Benign. Last evaluated: 2018-11-12. Review status: criteria provided, single submitter. Criteria: GeneDx Variant Classification Process June 2021. Collection method: clinical testing. Allele origin: germline. Affected: yes.

Illumina Laboratory Services, Illumina
Classification: Benign for Nephronophthisis 9. Last evaluated: 2018-01-13. Review status: criteria provided, single submitter. Criteria: ICSL Variant Classification Criteria 13 December 2019. Collection method: clinical testing. Allele origin: germline.
Comment: This variant was observed in the ICSL laboratory as part of a predisposition screen in an ostensibly healthy population. It had not been previously curated by ICSL or reported in the Human Gene Mutation Database (HGMD: prior to June 1st, 2018), and was therefore a candidate for classification through an automated scoring system. Utilizing variant allele frequency, disease prevalence and penetrance estimates, and inheritance mode, an automated score was calculated to assess if this variant is too frequent to cause the disease. Based on the score and internal cut-off values, a variant classified as benign is not then subjected to further curation. The score for this variant resulted in a classification of benign for this disease.

Breakthrough Genomics
Classification: Benign. Review status: criteria provided, single submitter. Criteria: ACMG Guidelines, 2015. Collection method: not provided. Allele origin: germline. Inheritance: Autosomal recessive inheritance. Affected: yes.

PreventionGenetics, part of Exact Sciences
Classification: Benign. Review status: criteria provided, single submitter. Criteria: ACMG Guidelines, 2015. Collection method: clinical testing. Allele origin: germline.